The following is an entry in ClinVar:

ClinVar aggregate classification (germline): Uncertain significance. Review status: criteria provided, multiple submitters, no conflicts (2 of 4 stars). 4 submissions from 4 submitters: Uncertain significance (4). Last evaluated 2025-11-25.

Conditions:
Cardiovascular phenotype. Identifiers: MedGen CN230736.
Catecholaminergic polymorphic ventricular tachycardia (CVPT). Also called: Catecholamine-induced polymorphic ventricular tachycardia. Identifiers: Orphanet 3286, MedGen C5574922, MONDO:0017990.
Catecholaminergic polymorphic ventricular tachycardia 1. Also called: RYR2-Related Catecholaminergic Polymorphic Ventricular Tachycardia; VENTRICULAR TACHYCARDIA, CATECHOLAMINERGIC POLYMORPHIC, 1, WITH OR WITHOUT ATRIAL DYSFUNCTION AND/OR DILATED CARDIOMYOPATHY; VENTRICULAR TACHYCARDIA, STRESS-INDUCED POLYMORPHIC 1. Identifiers: Orphanet 3286, MedGen C1631597, MONDO:0011484, OMIM 604772.

Allele frequency attached by ClinVar (database versions not stated): gnomAD exomes below 0.00001 and 0.00001; ExAC 0.00001; gnomAD 0.00001.

Submissions (4):

Ambry Genetics
Classification: Uncertain significance for Cardiovascular phenotype. Last evaluated: 2025-11-25. Review status: criteria provided, single submitter. Criteria: Ambry Variant Classification Scheme 2023. Collection method: clinical testing. Allele origin: germline.
Comment: The p.M1300T variant (also known as c.3899T>C), located in coding exon 31 of the RYR2 gene, results from a T to C substitution at nucleotide position 3899. The methionine at codon 1300 is replaced by threonine, an amino acid with similar properties. This amino acid position is not well conserved in available vertebrate species. In addition, the in silico prediction for this alteration is inconclusive. Based on the available evidence, the clinical significance of this variant remains unclear.

Labcorp Genetics (formerly Invitae), Labcorp
Classification: Uncertain significance for Catecholaminergic polymorphic ventricular tachycardia 1. Last evaluated: 2025-04-23. Review status: criteria provided, single submitter. Criteria: Invitae Variant Classification Sherloc (09022015). Collection method: clinical testing. Allele origin: germline.
Comment: This sequence change replaces methionine, which is neutral and non-polar, with threonine, which is neutral and polar, at codon 1300 of the RYR2 protein (p.Met1300Thr). This variant is present in population databases (rs772739688, gnomAD 0.0009%). This variant has not been reported in the literature in individuals affected with RYR2-related conditions. ClinVar contains an entry for this variant (Variation ID: 201380). Invitae Evidence Modeling of protein sequence and biophysical properties (such as structural, functional, and spatial information, amino acid conservation, physicochemical variation, residue mobility, and thermodynamic stability) indicates that this missense variant is not expected to disrupt RYR2 protein function with a negative predictive value of 95%. In summary, the available evidence is currently insufficient to determine the role of this variant in disease. Therefore, it has been classified as a Variant of Uncertain Significance.

GeneDx
Classification: Uncertain significance. Last evaluated: 2023-10-27. Review status: criteria provided, single submitter. Criteria: GeneDx Variant Classification Process June 2021. Collection method: clinical testing. Allele origin: germline. Affected: yes.
Comment: Has not been previously published as pathogenic or benign to our knowledge; Not observed at significant frequency in large population cohorts (gnomAD); In silico analysis supports that this missense variant does not alter protein structure/function

All of Us Research Program, National Institutes of Health
Classification: Uncertain significance for Catecholaminergic polymorphic ventricular tachycardia. Last evaluated: 2023-04-03. Review status: criteria provided, single submitter. Criteria: ACMG Guidelines, 2015. Collection method: clinical testing. Allele origin: germline. Inheritance: Autosomal dominant inheritance. Observed: 1 variant allele, 1 heterozygote.
Comment: This missense variant replaces methionine with threonine at codon 1300 of the RYR2 protein. Computational prediction suggests that this variant may not impact protein structure and function (internally defined REVEL score threshold <= 0.5, PMID: 27666373). To our knowledge, functional studies have not been reported for this variant. This variant has not been reported in individuals affected with RYR2-related disorders in the literature. This variant has been identified in 1/247946 chromosomes in the general population by the Genome Aggregation Database (gnomAD). The available evidence is insufficient to determine the role of this variant in disease conclusively. Therefore, this variant is classified as a Variant of Uncertain Significance.

This study involves interpretation of variants in research participants for the purpose of population health screening. Participant phenotype was not available at the time of variant classification. Additional details can be found in publication PMID: 35346344, PMCID: PMC8962531

NM_001035.3(RYR2):c.3899T>C (p.Met1300Thr)

Genes: RYR2 (ryanodine receptor 2; plus strand), LOC126806067 (BRD4-independent group 4 enhancer GRCh37_chr1:237753258-237754457; plus strand). Cytogenetic location: 1q43.
Variant type: single nucleotide variant.
Coding change: c.3899T>C on transcript NM_001035.3 (MANE Select); coding-DNA position 3899, T replaced by C.
Protein change: p.Met1300Thr; replaces methionine 1300 with threonine.
Molecular consequence: missense variant.
Genome position (GRCh38, 1-based): chr1:237,590,731, T>C. VCF-style: chr1-237590731-T-C. GRCh37 (hg19) VCF-style: chr1-237754031-T-C.
Other names: p.M1300T:ATG>ACG; c.3899T>C, p.Met1300Thr (LRG_402t1); short protein forms M1300T.
Identifiers: ClinVar variation 201380 (VCV000201380.8), dbSNP rs772739688, ClinGen allele CA009400.